The following is an entry in ClinVar:

NM_001849.4(COL6A2):c.2787del (p.Arg930fs)

Gene: COL6A2 (collagen type VI alpha 2 chain; plus strand). Cytogenetic location: 21q22.3.
Variant type: Deletion.
Coding change: c.2787del on transcript NM_001849.4 (MANE Select); coding-DNA position 2787, one base deleted (G; older notation c.2787delG).
Protein change: p.Arg930fs; shifts the reading frame from arginine 930.
Molecular consequence: frameshift variant.
Genome position (GRCh38, 1-based): chr21:46,132,279, G deleted. VCF-style (leftmost placement, unchanged base first): chr21-46132278-TG-T. GRCh37 (hg19) VCF-style: chr21-47552192-TG-T.
Other names: short protein forms R930fs.
Identifiers: ClinVar variation 4795167 (VCV004795167.1).
Genomic context (GRCh38, chr21:46,132,278, plus strand): 5'-AATACCTGAACTCCTTCTCGCACGTGGGCGCAGGCGTGGTGCACGCCATCAATGCCATCG[TG>T]CGCAGCCCGCGTGGCGGGGCCCGGAGGCACGCAGAGCTGTCCTTCGTGTTCCTCACGGAC-3'

ClinVar aggregate classification (germline): Uncertain significance (1 of 4 stars; one submission).

Conditions:
Bethlem myopathy 1B (BTHLM1B). Identifiers: MedGen C5935580, MONDO:0958233, OMIM 620725.

Submission:

MVZ Martinsried, Medicover Genetics
Classification: Uncertain significance for Bethlem myopathy 1B. Last evaluated: 2025-12-22. Review status: criteria provided, single submitter. Criteria: ClinGen Variant Curation SOP V3.2 + Classification Guidance July2025. Collection method: clinical testing. Allele origin: unknown. Observed: 1 heterozygote.
Comment: PVS1_Strong, PM2_Supporting